The following is an entry in ClinVar:

NM_033337.3(CAV3):c.*6G>A

Genes: CAV3 (caveolin 3; plus strand), OXTR (oxytocin receptor; minus strand). Cytogenetic location: 3p25.3.
Variant type: single nucleotide variant.
Coding change: c.*6G>A on transcript NM_033337.3 (MANE Select); 6 bases downstream of the stop codon, G replaced by A.
Molecular consequence: 3 prime UTR variant.
Genome position (GRCh38, 1-based): chr3:8,745,873, G>A. VCF-style: chr3-8745873-G-A. GRCh37 (hg19) VCF-style: chr3-8787559-G-A.
Other names: c.*6G>A (NM_001234.5).
Identifiers: ClinVar variation 385929 (VCV000385929.1), dbSNP rs769655378, ClinGen allele CA2236374.

ClinVar aggregate classification (germline): Likely benign (1 of 4 stars; one submission).

Allele frequency attached by ClinVar (database versions not stated): gnomAD exomes 0.00001; TOPMed 0.00001 and below 0.00001; ExAC 0.00001; gnomAD 0.00001.
gnomAD v4.1: 5 of 1,608,034 alleles (0.00031%); highest among the groups gnomAD compares: Non-Finnish European, 0.00042%; no homozygotes.

Submission:

GeneDx
Classification: Likely benign. Last evaluated: 2016-05-19. Review status: criteria provided, single submitter. Criteria: GeneDx Variant Classification (06012015). Collection method: clinical testing. Allele origin: germline. Affected: yes.
Comment: This variant is considered likely benign or benign based on one or more of the following criteria: it is a conservative change, it occurs at a poorly conserved position in the protein, it is predicted to be benign by multiple in silico algorithms, and/or has population frequency not consistent with disease.